The following is an entry in ClinVar:

NM_000199.5(SGSH):c.90G>A (p.Ala30=)

Gene: SGSH (N-sulfoglucosamine sulfohydrolase; minus strand). Cytogenetic location: 17q25.3.
Variant type: single nucleotide variant.
Coding change: c.90G>A on transcript NM_000199.5 (MANE Select); coding-DNA position 90, G replaced by A.
Protein change: p.Ala30=; no amino-acid change (alanine 30 retained).
Molecular consequence: synonymous variant. On other transcripts: non-coding transcript variant (1).
Genome position (GRCh38, 1-based): chr17:80,217,191, C>T on the plus strand (G>A on the coding strand, the complement: SGSH is on the minus strand). VCF-style: chr17-80217191-C-T. GRCh37 (hg19) VCF-style: chr17-78190990-C-T.
Other names: c.90G>A, p.Ala30= (NM_001352921.3, NM_001352922.2); c.90G>A (NM_000199.3).
Identifiers: ClinVar variation 2200921 (VCV002200921.3), dbSNP rs549213151, ClinGen allele CA8818173.
Genomic context (GRCh38, chr17:80,217,191, plus strand): 5'-CAGGTGCGGGGTGGCGATGGCGCTGTTGTTGTACGCGCCACTCTCAAAGCCTCCGTCATC[C>T]GCTGCGTGAGGTGGGAGACAGAGAGTGCACGGTCGGCTGCGGTCACGAGAAACAGCACTG-3'
Protein context (NP_000190.1, residues 20-40): ARPRNALLLL[Ala30=]DDGGFESGAY

ClinVar aggregate classification (germline): Uncertain significance. Review status: criteria provided, single submitter (1 of 4 stars). 2 submissions from 2 submitters: Uncertain significance (1). 1 of the submissions does not count toward it. Last evaluated 2022-09-19.

Conditions:
SGSH-related disorder. Also called: SGSH-related condition.
Mucopolysaccharidosis, MPS-III-A (MPS3A). Also called: HEPARAN SULFATE SULFATASE DEFICIENCY; SANFILIPPO SYNDROME A; SULFAMIDASE DEFICIENCY; MPS III A; MUCOPOLYSACCHARIDOSIS, TYPE IIIA, ATTENUATED; Mucopolysaccharidosis type IIIA (Sanfilippo A). Identifiers: Orphanet 581, Orphanet 79269, MedGen C0086647, MONDO:0009655, OMIM 252900.

Allele frequency attached by ClinVar (database versions not stated): gnomAD 0.00003; ExAC 0.00010; gnomAD exomes 0.00007; TOPMed 0.00002; 1000 Genomes Project 0.00020; 1000 Genomes Project 30x 0.00016.
gnomAD v4.1: 113 of 1,598,054 alleles (0.0071%); highest among the groups gnomAD compares: South Asian, 0.034%; no homozygotes.

Submissions (2):

Labcorp Genetics (formerly Invitae), Labcorp
Classification: Uncertain significance for Mucopolysaccharidosis, MPS-III-A. Last evaluated: 2022-09-19. Review status: criteria provided, single submitter. Criteria: Invitae Variant Classification Sherloc (09022015). Collection method: clinical testing. Allele origin: germline.
Comment: This sequence change affects codon 30 of the SGSH mRNA. It is a 'silent' change, meaning that it does not change the encoded amino acid sequence of the SGSH protein. This variant is present in population databases (rs549213151, gnomAD 0.05%). This variant has not been reported in the literature in individuals affected with SGSH-related conditions. Algorithms developed to predict the effect of sequence changes on RNA splicing suggest that this variant may disrupt the consensus splice site. In summary, the available evidence is currently insufficient to determine the role of this variant in disease. Therefore, it has been classified as a Variant of Uncertain Significance.

PreventionGenetics, part of Exact Sciences
Classification: Likely benign for SGSH-related condition. Last evaluated: 2019-05-28. Review status: no assertion criteria provided. Collection method: clinical testing. Allele origin: germline. Not counted in ClinVar's aggregate classification.
Comment: This variant is classified as likely benign based on ACMG/AMP sequence variant interpretation guidelines (Richards et al. 2015 PMID: 25741868, with internal and published modifications).